The following is an entry in ClinVar:

NM_000455.5(STK11):c.1071G>C (p.Glu357Asp)

Genes: STK11 (serine/threonine kinase 11; plus strand), LOC130062899 (ATAC-STARR-seq lymphoblastoid active region 13597; plus strand). Cytogenetic location: 19p13.3.
Variant type: single nucleotide variant.
Coding change: c.1071G>C on transcript NM_000455.5 (MANE Select); coding-DNA position 1071, G replaced by C.
Protein change: p.Glu357Asp; replaces glutamic acid 357 with aspartic acid.
Molecular consequence: missense variant. On other transcripts: non-coding transcript variant (1).
Genome position (GRCh38, 1-based): chr19:1,223,135, G>C. VCF-style: chr19-1223135-G-C. GRCh37 (hg19) VCF-style: chr19-1223134-G-C.
Other names: c.1071G>C, p.Glu357Asp (NM_001407255.1); short protein forms E357D.
Identifiers: ClinVar variation 2774544 (VCV002774544.2), dbSNP rs556651007, ClinGen allele CA402951874.
Genomic context (GRCh38, chr19:1,223,135, plus strand): 5'-GGTGCCGTACTTGGAGGACCTGCACGGCGCGGACGAGGACGAGGACCTCTTCGACATCGA[G>C]GATGACATCATCTACACTCAGGACTTCACGGTGCCCGGTGAGTCTGGCGGGGGCCCCTGC-3'
Protein context (NP_000446.1, residues 347-367): ADEDEDLFDI[Glu357Asp]DDIIYTQDFT

ClinVar aggregate classification (germline): Uncertain significance (1 of 4 stars; one submission).

Conditions:
Hereditary cancer-predisposing syndrome. Also called: Neoplastic Syndromes, Hereditary; Tumor predisposition; Hereditary Cancer Syndrome; Hereditary neoplastic syndrome. Identifiers: Orphanet 140162, MedGen C0027672, MeSH D009386, MONDO:0015356.

Submission:

Color Diagnostics, LLC DBA Color Health
Classification: Uncertain significance for Hereditary cancer-predisposing syndrome. Last evaluated: 2024-03-06. Review status: criteria provided, single submitter. Criteria: ACMG Guidelines, 2015. Collection method: clinical testing. Allele origin: germline.
Comment: This missense variant replaces glutamic acid with aspartic acid at codon 357 of the STK11 protein. Computational prediction suggests that this variant may not impact protein structure and function (internally defined REVEL score threshold <= 0.5, PMID: 27666373). To our knowledge, functional studies have not been reported for this variant. This variant has not been reported in individuals affected with hereditary cancer in the literature. This variant has not been identified in the general population by the Genome Aggregation Database (gnomAD). The available evidence is insufficient to determine the role of this variant in disease conclusively. Therefore, this variant is classified as a Variant of Uncertain Significance.